The following is an entry in ClinVar:

ClinVar aggregate classification (germline): Uncertain significance (1 of 4 stars; one submission).

Submission:

CeGaT Center for Human Genetics Tuebingen
Classification: Uncertain significance. Last evaluated: 2023-07-01. Review status: criteria provided, single submitter. Criteria: CeGaT Center For Human Genetics Tuebingen Variant Classification Criteria Version 2. Collection method: clinical testing. Allele origin: germline. Affected: yes. Observed: 1 variant allele.
Comment: NBEA: PM2, PP2, PP3

NM_001385012.1(NBEA):c.7426G>A (p.Asp2476Asn)

Gene: NBEA (neurobeachin; plus strand). Cytogenetic location: 13q13.3.
Variant type: single nucleotide variant.
Coding change: c.7426G>A on transcript NM_001385012.1 (MANE Select); coding-DNA position 7426, G replaced by A.
Protein change: p.Asp2476Asn; replaces aspartic acid 2476 with asparagine.
Molecular consequence: missense variant.
Genome position (GRCh38, 1-based): chr13:35,606,555, G>A. VCF-style: chr13-35606555-G-A. GRCh37 (hg19) VCF-style: chr13-36180692-G-A.
Other names: c.805G>A, p.Asp269Asn (NM_001204197.3); c.7417G>A, p.Asp2473Asn (NM_001379245.1); c.7426G>A, p.Asp2476Asn (NM_015678.5); short protein forms D2473N, D2476N, D269N.
Identifiers: ClinVar variation 2578703 (VCV002578703.25), dbSNP rs2549869677, ClinGen allele CA387983463.